The following is an entry in ClinVar:

NM_001287.6(CLCN7):c.877G>T (p.Ala293Ser)

Gene: CLCN7 (chloride voltage-gated channel 7; minus strand). Cytogenetic location: 16p13.3.
Variant type: single nucleotide variant.
Coding change: c.877G>T on transcript NM_001287.6 (MANE Select); coding-DNA position 877, G replaced by T.
Protein change: p.Ala293Ser; replaces alanine 293 with serine.
Molecular consequence: missense variant.
Genome position (GRCh38, 1-based): chr16:1,456,152, C>A on the plus strand (G>T on the coding strand, the complement: CLCN7 is on the minus strand). VCF-style: chr16-1456152-C-A. GRCh37 (hg19) VCF-style: chr16-1506153-C-A.
Other names: c.805G>T, p.Ala269Ser (NM_001114331.3); short protein forms A269S, A293S.
Identifiers: ClinVar variation 2905221 (VCV002905221.3), dbSNP rs1331861099, ClinGen allele CA394190334.

ClinVar aggregate classification (germline): Uncertain significance (1 of 4 stars; one submission).

Allele frequency attached by ClinVar (database versions not stated): gnomAD exomes below 0.00001; TOPMed 0.00001.
gnomAD v4.1: 1 of 1,565,730 alleles (0.000064%); highest among the groups gnomAD compares: Admixed American, 0.0019%; no homozygotes.

Submission:

Labcorp Genetics (formerly Invitae), Labcorp
Classification: Uncertain significance. Last evaluated: 2023-04-03. Review status: criteria provided, single submitter. Criteria: Invitae Variant Classification Sherloc (09022015). Collection method: clinical testing. Allele origin: germline.
Comment: This sequence change replaces alanine, which is neutral and non-polar, with serine, which is neutral and polar, at codon 293 of the CLCN7 protein (p.Ala293Ser). This variant is not present in population databases (gnomAD no frequency). This variant has not been reported in the literature in individuals affected with CLCN7-related conditions. An algorithm developed to predict the effect of missense changes on protein structure and function (PolyPhen-2) suggests that this variant is likely to be disruptive. In summary, the available evidence is currently insufficient to determine the role of this variant in disease. Therefore, it has been classified as a Variant of Uncertain Significance.